The following is an entry in ClinVar:

NM_000797.4(DRD4):c.1004C>G (p.Ala335Gly)

Gene: DRD4 (dopamine receptor D4; plus strand). Cytogenetic location: 11p15.5.
Variant type: single nucleotide variant.
Coding change: c.1004C>G on transcript NM_000797.4 (MANE Select); coding-DNA position 1004, C replaced by G.
Protein change: p.Ala335Gly; replaces alanine 335 with glycine.
Molecular consequence: missense variant.
Genome position (GRCh38, 1-based): chr11:640,253, C>G. VCF-style: chr11-640253-C-G. GRCh37 (hg19) VCF-style: chr11-640253-C-G.
Other names: c.1004C>G (NM_000797.3); short protein forms A335G.
Identifiers: ClinVar variation 445813 (VCV000445813.5), dbSNP rs200996360, ClinGen allele CA5785888.

ClinVar aggregate classification (germline): Benign. Review status: criteria provided, multiple submitters, no conflicts (2 of 4 stars). 3 submissions from 3 submitters: Benign (2). 1 of the submissions does not count toward it. Last evaluated 2017-04-24.

Conditions:
DRD4-related disorder. Also called: DRD4-related condition.

Allele frequency attached by ClinVar (database versions not stated): gnomAD exomes 0.00258; ExAC 0.00288; 1000 Genomes Project 30x 0.00812; 1000 Genomes Project 0.00859; gnomAD 0.01121 and 0.01230; TOPMed 0.01272.

Submissions (3):

Center for Pediatric Genomic Medicine, Children's Mercy Hospital and Clinics
Classification: Benign. Last evaluated: 2017-04-24. Review status: criteria provided, single submitter. Criteria: ACMG Guidelines, 2015. Collection method: clinical testing. Allele origin: germline.

Breakthrough Genomics
Classification: Benign. Review status: criteria provided, single submitter. Criteria: ACMG Guidelines, 2015. Collection method: not provided. Allele origin: germline. Inheritance: Autosomal dominant inheritance. Affected: yes.

PreventionGenetics, part of Exact Sciences
Classification: Benign for DRD4-related condition. Last evaluated: 2019-03-12. Review status: no assertion criteria provided. Collection method: clinical testing. Allele origin: germline. Not counted in ClinVar's aggregate classification.
Comment: This variant is classified as benign based on ACMG/AMP sequence variant interpretation guidelines (Richards et al. 2015 PMID: 25741868, with internal and published modifications).